The following is an entry in ClinVar:

ClinVar aggregate classification (germline): Pathogenic (1 of 4 stars; one submission).

Submission:

GeneDx
Classification: Pathogenic. Last evaluated: 2013-08-16. Review status: criteria provided, single submitter. Criteria: GeneDx Variant Classification (06012015). Collection method: clinical testing. Allele origin: germline. Affected: yes.
Comment: The c.664delG mutation in the JAG1 gene causes a frameshift starting with codon Glutamic Acid 222, changes this amino acid to a Lysine residue and creates a premature Stop codon at position 190 of the new reading frame, denoted p.Glu222LysfsX190. This mutation is predicted to cause loss of normal protein function either through protein truncation or nonsense-mediated mRNA decay. Although this mutation has not been previously reported, its presence is consistent with a diagnosis of Alagille syndrome.This variant was found in JAG1.

NM_000214.3(JAG1):c.664del (p.Glu222fs)

Gene: JAG1 (jagged canonical Notch ligand 1; minus strand). Cytogenetic location: 20p12.2.
Variant type: Deletion.
Coding change: c.664del on transcript NM_000214.3 (MANE Select); coding-DNA position 664, one base deleted (G; older notation c.664delG).
Protein change: p.Glu222fs; shifts the reading frame from glutamic acid 222.
Molecular consequence: frameshift variant.
Genome position (GRCh38, 1-based): chr20:10,658,498, C deleted on the plus strand (G on the coding strand, the reverse complement: JAG1 is on the minus strand); the first of 2 consecutive C bases (chr20:10,658,498-10,658,499); deleting either gives the same sequence. VCF-style (leftmost placement, unchanged base first): chr20-10658497-TC-T. GRCh37 (hg19) VCF-style: chr20-10639145-TC-T.
Other names: c.664del, p.Glu222fs (LRG_1191t1); short protein forms E222fs.
Identifiers: ClinVar variation 213551 (VCV000213551.1), dbSNP rs863223665, ClinGen allele CA324651.